The following is an entry in ClinVar:

ClinVar aggregate classification (germline): Uncertain significance (1 of 4 stars; one submission).

gnomAD v4.1: 2 of 1,551,608 alleles (0.00013%); highest among the groups gnomAD compares: Non-Finnish European, 0.00017%; no homozygotes.

Submission:

Labcorp Genetics (formerly Invitae), Labcorp
Classification: Uncertain significance. Last evaluated: 2023-10-17. Review status: criteria provided, single submitter. Criteria: Invitae Variant Classification Sherloc (09022015). Collection method: clinical testing. Allele origin: germline.
Comment: This sequence change replaces arginine, which is basic and polar, with leucine, which is neutral and non-polar, at codon 338 of the FOXI3 protein (p.Arg338Leu). This variant is not present in population databases (gnomAD no frequency). This variant has not been reported in the literature in individuals affected with FOXI3-related conditions. Experimental studies and prediction algorithms are not available or were not evaluated, and the functional significance of this variant is currently unknown. In summary, the available evidence is currently insufficient to determine the role of this variant in disease. Therefore, it has been classified as a Variant of Uncertain Significance.

NM_001135649.3(FOXI3):c.1013G>T (p.Arg338Leu)

Gene: FOXI3 (forkhead box I3; minus strand). Cytogenetic location: 2p11.2.
Variant type: single nucleotide variant.
Coding change: c.1013G>T on transcript NM_001135649.3 (MANE Select); coding-DNA position 1013, G replaced by T.
Protein change: p.Arg338Leu; replaces arginine 338 with leucine.
Molecular consequence: missense variant.
Genome position (GRCh38, 1-based): chr2:88,448,457, C>A on the plus strand (G>T on the coding strand, the complement: FOXI3 is on the minus strand). VCF-style: chr2-88448457-C-A. GRCh37 (hg19) VCF-style: chr2-88747976-C-A.
Other names: short protein forms R338L.
Identifiers: ClinVar variation 2795531 (VCV002795531.3), dbSNP rs369600524, ClinGen allele CA51943839.
Genomic context (GRCh38, chr2:88,448,457, plus strand): 5'-ATGGAGGTCGGGGAGAACACGCCGCTGGAGGGCAGCTGGGCCCCCTGGATCCCTAGGTGG[C>A]GGCTGCCAGGGAGAGCCCGCTGGGTACTCACACTGCTGCTGACACTCAAGGAGCTGAGGC-3'
Protein context (NP_001129121.1, residues 328-348): VSTQRALPGS[Arg338Leu]HLGIQGAQLP